The following is an entry in ClinVar:

ClinVar aggregate classification (germline): Uncertain significance. Review status: criteria provided, multiple submitters, no conflicts (2 of 4 stars). 2 submissions from 2 submitters: Uncertain significance (2). Last evaluated 2025-10-26.

Conditions:
Cardiovascular phenotype. Identifiers: MedGen CN230736.

Allele frequency attached by ClinVar (database versions not stated): gnomAD 0.00001; gnomAD exomes 0.00002.
gnomAD v4.1: 13 of 1,613,916 alleles (0.00081%); highest among the groups gnomAD compares: East Asian, 0.029%; no homozygotes.

Submissions (2):

Ambry Genetics
Classification: Uncertain significance for Cardiovascular phenotype. Last evaluated: 2025-10-26. Review status: criteria provided, single submitter. Criteria: Ambry Variant Classification Scheme 2023. Collection method: clinical testing. Allele origin: germline.
Comment: The p.P1476S variant (also known as c.4426C>T), located in coding exon 7 of the ALPK3 gene, results from a C to T substitution at nucleotide position 4426. The proline at codon 1476 is replaced by serine, an amino acid with similar properties. This amino acid position is conserved. In addition, the in silico prediction for this alteration is inconclusive. Based on the available evidence, the clinical significance of this variant remains unclear.

Labcorp Genetics (formerly Invitae), Labcorp
Classification: Uncertain significance. Last evaluated: 2025-07-09. Review status: criteria provided, single submitter. Criteria: Invitae Variant Classification Sherloc (09022015). Collection method: clinical testing. Allele origin: germline.
Comment: This sequence change replaces proline, which is neutral and non-polar, with serine, which is neutral and polar, at codon 1476 of the ALPK3 protein (p.Pro1476Ser). This variant is present in population databases (no rsID available, gnomAD 0.006%). This variant has not been reported in the literature in individuals affected with ALPK3-related conditions. ClinVar contains an entry for this variant (Variation ID: 2132540). An algorithm developed to predict the effect of missense changes on protein structure and function (PolyPhen-2) suggests that this variant is likely to be disruptive. In summary, the available evidence is currently insufficient to determine the role of this variant in disease. Therefore, it has been classified as a Variant of Uncertain Significance.

NM_020778.5(ALPK3):c.3820C>T (p.Pro1274Ser)

Gene: ALPK3 (alpha kinase 3; plus strand). Cytogenetic location: 15q25.3.
Variant type: single nucleotide variant.
Coding change: c.3820C>T on transcript NM_020778.5 (MANE Select); coding-DNA position 3820, C replaced by T.
Protein change: p.Pro1274Ser; replaces proline 1274 with serine.
Molecular consequence: missense variant.
Genome position (GRCh38, 1-based): chr15:84,859,245, C>T. VCF-style: chr15-84859245-C-T. GRCh37 (hg19) VCF-style: chr15-85402476-C-T.
Other names: c.4426C>T (NM_020778.4); short protein forms P1274S.
Identifiers: ClinVar variation 2132540 (VCV002132540.5), dbSNP rs1447097638, ClinGen allele CA393361132.